The following is an entry in ClinVar:

ClinVar aggregate classification (germline): Uncertain significance (1 of 4 stars; one submission).

Allele frequency attached by ClinVar (database versions not stated): ExAC 0.00001; gnomAD 0.00001; gnomAD exomes 0.00001 and 0.00002; TOPMed 0.00001.
gnomAD v4.1: 12 of 1,611,438 alleles (0.00074%); highest among the groups gnomAD compares: South Asian, 0.0044%; no homozygotes.

Submission:

Labcorp Genetics (formerly Invitae), Labcorp
Classification: Uncertain significance. Last evaluated: 2025-03-30. Review status: criteria provided, single submitter. Criteria: Invitae Variant Classification Sherloc (09022015). Collection method: clinical testing. Allele origin: germline.
Comment: This sequence change replaces valine, which is neutral and non-polar, with isoleucine, which is neutral and non-polar, at codon 1060 of the AP3D1 protein (p.Val1060Ile). This variant is present in population databases (rs770751125, gnomAD 0.003%). This variant has not been reported in the literature in individuals affected with AP3D1-related conditions. ClinVar contains an entry for this variant (Variation ID: 1485356). An algorithm developed to predict the effect of missense changes on protein structure and function outputs the following: PolyPhen-2: "Benign". The isoleucine amino acid residue is found in multiple mammalian species, which suggests that this missense change does not adversely affect protein function. In summary, the available evidence is currently insufficient to determine the role of this variant in disease. Therefore, it has been classified as a Variant of Uncertain Significance.

NM_001261826.3(AP3D1):c.3178G>A (p.Val1060Ile)

Gene: AP3D1 (adaptor related protein complex 3 subunit delta 1; minus strand). Cytogenetic location: 19p13.3.
Variant type: single nucleotide variant.
Coding change: c.3178G>A on transcript NM_001261826.3 (MANE Select); coding-DNA position 3178, G replaced by A.
Protein change: p.Val1060Ile; replaces valine 1060 with isoleucine.
Molecular consequence: missense variant.
Genome position (GRCh38, 1-based): chr19:2,110,222, C>T on the plus strand (G>A on the coding strand, the complement: AP3D1 is on the minus strand). VCF-style: chr19-2110222-C-T. GRCh37 (hg19) VCF-style: chr19-2110221-C-T.
Other names: c.3142G>A, p.Val1048Ile (NM_001374799.1); c.2992G>A, p.Val998Ile (NM_003938.8); short protein forms V998I, V1048I, V1060I.
Identifiers: ClinVar variation 1485356 (VCV001485356.8), dbSNP rs770751125, ClinGen allele CA9058518.